The following is an entry in ClinVar:

NM_007194.4(CHEK2):c.824A>G (p.Glu275Gly)

Gene: CHEK2 (checkpoint kinase 2; minus strand). Cytogenetic location: 22q12.1.
Variant type: single nucleotide variant.
Coding change: c.824A>G on transcript NM_007194.4 (MANE Select); coding-DNA position 824, A replaced by G.
Protein change: p.Glu275Gly; replaces glutamic acid 275 with glycine.
Molecular consequence: missense variant.
Genome position (GRCh38, 1-based): chr22:28,710,028, T>C on the plus strand (A>G on the coding strand, the complement: CHEK2 is on the minus strand). VCF-style: chr22-28710028-T-C. GRCh37 (hg19) VCF-style: chr22-29106016-T-C.
Other names: c.953A>G, p.Glu318Gly (NM_001005735.3); c.161A>G, p.Glu54Gly (NM_001257387.3); c.623A>G, p.Glu208Gly (NM_001349956.3); c.824A>G, p.Glu275Gly (NM_145862.3); short protein forms E208G, E275G, E54G, E318G.
Identifiers: ClinVar variation 2992775 (VCV002992775.3), dbSNP rs2517943098, ClinGen allele CA411102382.

ClinVar aggregate classification (germline): Uncertain significance (1 of 4 stars; one submission).

Conditions:
Familial cancer of breast. Also called: hereditary breast carcinoma; Hereditary breast cancer; BREAST CANCER, FAMILIAL. Identifiers: Orphanet 227535, MedGen C0346153, MONDO:0016419, OMIM 114480. Disease mechanism: loss of function.

Allele frequency attached by ClinVar (database versions not stated): gnomAD exomes below 0.00001.
gnomAD v4.1: 1 of 1,554,828 alleles (0.000064%); highest among the groups gnomAD compares: Non-Finnish European, 0.000089%; no homozygotes.

Submission:

Labcorp Genetics (formerly Invitae), Labcorp
Classification: Uncertain significance for Familial cancer of breast. Last evaluated: 2022-10-30. Review status: criteria provided, single submitter. Criteria: Invitae Variant Classification Sherloc (09022015). Collection method: clinical testing. Allele origin: germline.
Comment: This sequence change replaces glutamic acid, which is acidic and polar, with glycine, which is neutral and non-polar, at codon 275 of the CHEK2 protein (p.Glu275Gly). This variant is not present in population databases (gnomAD no frequency). This variant has not been reported in the literature in individuals affected with CHEK2-related conditions. Algorithms developed to predict the effect of missense changes on protein structure and function are either unavailable or do not agree on the potential impact of this missense change (SIFT: "Deleterious"; PolyPhen-2: "Benign"; Align-GVGD: "Class C0"). In summary, the available evidence is currently insufficient to determine the role of this variant in disease. Therefore, it has been classified as a Variant of Uncertain Significance.